The following is an entry in ClinVar:

ClinVar aggregate classification (germline): Likely benign. Review status: criteria provided, single submitter (1 of 4 stars). 2 submissions from 2 submitters: Likely benign (1). 1 of the submissions does not count toward it. Last evaluated 2022-05-01.

Conditions:
PRRC2A-related disorder. Also called: PRRC2A-related condition.

Allele frequency attached by ClinVar (database versions not stated): ESP Exome Variant Server 0.00036; gnomAD 0.00054; 1000 Genomes Project 30x 0.00062; gnomAD exomes 0.00066; TOPMed 0.00068; 1000 Genomes Project 0.00080; ExAC 0.00108.
gnomAD v4.1: 1,093 of 1,612,806 alleles (0.068%); highest among the groups gnomAD compares: Middle Eastern, 0.45%; 7 homozygotes.

Submissions (2):

CeGaT Center for Human Genetics Tuebingen
Classification: Likely benign. Last evaluated: 2022-05-01. Review status: criteria provided, single submitter. Criteria: CeGaT Center For Human Genetics Tuebingen Variant Classification Criteria Version 2. Collection method: clinical testing. Allele origin: germline. Affected: yes. Observed: 1 variant allele.
Comment: PRRC2A: BP4, BP7

PreventionGenetics, part of Exact Sciences
Classification: Likely benign for PRRC2A-related condition. Last evaluated: 2019-04-25. Review status: no assertion criteria provided. Collection method: clinical testing. Allele origin: germline. Not counted in ClinVar's aggregate classification.
Comment: This variant is classified as likely benign based on ACMG/AMP sequence variant interpretation guidelines (Richards et al. 2015 PMID: 25741868, with internal and published modifications).

NM_004638.4(PRRC2A):c.1584C>T (p.Leu528=)

Gene: PRRC2A (proline rich coiled-coil 2A; plus strand). Cytogenetic location: 6p21.33.
Variant type: single nucleotide variant.
Coding change: c.1584C>T on transcript NM_004638.4 (MANE Select); coding-DNA position 1584, C replaced by T.
Protein change: p.Leu528=; no amino-acid change (leucine 528 retained).
Molecular consequence: synonymous variant.
Genome position (GRCh38, 1-based): chr6:31,628,058, C>T. VCF-style: chr6-31628058-C-T. GRCh37 (hg19) VCF-style: chr6-31595835-C-T.
Other names: c.1584C>T (NM_080686.2); c.1584C>T, p.Leu528= (NM_080686.3).
Identifiers: ClinVar variation 2656405 (VCV002656405.25), dbSNP rs113101460, ClinGen allele CA3715432.